The following is an entry in ClinVar:

ClinVar aggregate classification (germline): Uncertain significance. Review status: criteria provided, multiple submitters, no conflicts (2 of 4 stars). 3 submissions from 3 submitters: Uncertain significance (3). Last evaluated 2026-08-22.

Conditions:
Familial thoracic aortic aneurysm and aortic dissection (TAAD). Also called: Thoracic aortic aneurysms and dissections. Identifiers: Orphanet 91387, MedGen C4707243, MONDO:0019625.
Ehlers-Danlos syndrome, classic type, 1 (EDSCL1). Also called: EHLERS-DANLOS SYNDROME, GRAVIS TYPE; EHLERS-DANLOS SYNDROME, SEVERE CLASSIC TYPE; Ehlers-Danlos syndrome, type 1; Ehlers-Danlos Syndrome, Classic Type, COL5A1-Related; EDS I. Identifiers: MedGen C0268335, MONDO:0019567, OMIM 130000.

Allele frequency attached by ClinVar (database versions not stated): ExAC 0.00001; ESP Exome Variant Server 0.00008; gnomAD exomes below 0.00001; TOPMed 0.00001.
gnomAD v4.1: 1 of 1,613,916 alleles (0.000062%); highest among the groups gnomAD compares: Non-Finnish European, 0.000085%; no homozygotes.

Submissions (3):

Ambry Genetics
Classification: Uncertain significance for Familial thoracic aortic aneurysm and aortic dissection. Last evaluated: 2026-08-22. Review status: criteria provided, single submitter. Criteria: Ambry Variant Classification Scheme 2023. Collection method: clinical testing. Allele origin: germline.
Comment: The p.P517L variant (also known as c.1550C>T), located in coding exon 23 of the COL5A2 gene, results from a C to T substitution at nucleotide position 1550. The proline at codon 517 is replaced by leucine, an amino acid with similar properties. This amino acid position is conserved. In addition, the in silico prediction for this alteration is inconclusive. Based on the available evidence, the clinical significance of this variant remains unclear.

GeneDx
Classification: Uncertain significance. Last evaluated: 2023-11-28. Review status: criteria provided, single submitter. Criteria: GeneDx Variant Classification Process June 2021. Collection method: clinical testing. Allele origin: germline. Affected: yes.
Comment: Has not been previously published as pathogenic or benign to our knowledge; Not observed at significant frequency in large population cohorts (gnomAD); At the protein level, in silico analysis supports that this missense variant has a deleterious effect on protein structure/function; At the mRNA level, in silico analysis suggests this variant may impact gene splicing. In the absence of RNA/functional studies, the actual effect of this sequence change is unknown.

Labcorp Genetics (formerly Invitae), Labcorp
Classification: Uncertain significance for Ehlers-Danlos syndrome, classic type, 1. Last evaluated: 2022-01-06. Review status: criteria provided, single submitter. Criteria: Invitae Variant Classification Sherloc (09022015). Collection method: clinical testing. Allele origin: germline.
Comment: In summary, the available evidence is currently insufficient to determine the role of this variant in disease. Therefore, it has been classified as a Variant of Uncertain Significance. Advanced modeling of protein sequence and biophysical properties (such as structural, functional, and spatial information, amino acid conservation, physicochemical variation, residue mobility, and thermodynamic stability) performed at Invitae indicates that this missense variant is not expected to disrupt COL5A2 protein function. ClinVar contains an entry for this variant (Variation ID: 937613). This variant has not been reported in the literature in individuals affected with COL5A2-related conditions. This variant is not present in population databases (gnomAD no frequency). This sequence change replaces proline, which is neutral and non-polar, with leucine, which is neutral and non-polar, at codon 517 of the COL5A2 protein (p.Pro517Leu).

NM_000393.5(COL5A2):c.1550C>T (p.Pro517Leu)

Gene: COL5A2 (collagen type V alpha 2 chain; minus strand). Cytogenetic location: 2q32.2.
Variant type: single nucleotide variant.
Coding change: c.1550C>T on transcript NM_000393.5 (MANE Select); coding-DNA position 1550, C replaced by T.
Protein change: p.Pro517Leu; replaces proline 517 with leucine.
Molecular consequence: missense variant.
Genome position (GRCh38, 1-based): chr2:189,066,403, G>A on the plus strand (C>T on the coding strand, the complement: COL5A2 is on the minus strand). VCF-style: chr2-189066403-G-A. GRCh37 (hg19) VCF-style: chr2-189931129-G-A.
Other names: short protein forms P517L.
Identifiers: ClinVar variation 937613 (VCV000937613.13), dbSNP rs371125581, ClinGen allele CA2022673.